The following is an entry in ClinVar:

ClinVar aggregate classification (germline): Conflicting classifications of pathogenicity. Review status: criteria provided, conflicting classifications (1 of 4 stars). 3 submissions from 3 submitters: Uncertain significance (2); Likely benign (1). Last evaluated 2025-11-20.

Conditions:
Malignant hyperthermia, susceptibility to, 5 (MHS5). Also called: CACNA1S-Related Malignant Hyperthermia Susceptibility. Identifiers: Orphanet 423, MedGen C1866077, MONDO:0011163, OMIM 601887.
Hypokalemic periodic paralysis, type 1. Also called: Hypokalemic Periodic Paralysis Type 1 (AD); HypoPP. Identifiers: Orphanet 681, MedGen C3714580, MONDO:0042979, OMIM 170400.
Congenital myopathy 18. Also called: DIHYDROPYRIDINE RECEPTOR CONGENITAL MYOPATHY; DHPR CONGENITAL MYOPATHY; Myopathy, congenital, due to dihydropyridine receptor defect. Identifiers: MedGen C5830283, MONDO:0859514, OMIM 620246.
Thyrotoxic periodic paralysis, susceptibility to, 1 (TTPP1). Identifiers: Orphanet 79102, MedGen C2749982, MONDO:0008570, OMIM 188580.

Allele frequency attached by ClinVar (database versions not stated): gnomAD exomes below 0.00001 and 0.00001; ExAC 0.00001; gnomAD 0.00005; TOPMed 0.00005; ESP Exome Variant Server 0.00008.

Submissions (3):

Labcorp Genetics (formerly Invitae), Labcorp
Classification: Likely benign for Hypokalemic periodic paralysis, type 1; Malignant hyperthermia, susceptibility to, 5. Last evaluated: 2025-11-20. Review status: criteria provided, single submitter. Criteria: Invitae Variant Classification Sherloc (09022015). Collection method: clinical testing. Allele origin: germline.

Fulgent Genetics
Classification: Uncertain significance for Hypokalemic periodic paralysis, type 1; Thyrotoxic periodic paralysis, susceptibility to, 1; Malignant hyperthermia, susceptibility to, 5; Congenital myopathy 18. Last evaluated: 2024-02-08. Review status: criteria provided, single submitter. Criteria: ACMG Guidelines, 2015. Collection method: clinical testing. Allele origin: germline.

All of Us Research Program, National Institutes of Health
Classification: Uncertain significance for Malignant hyperthermia, susceptibility to, 5. Last evaluated: 2023-04-03. Review status: criteria provided, single submitter. Criteria: ACMG Guidelines, 2015. Collection method: clinical testing. Allele origin: germline. Inheritance: Autosomal dominant inheritance. Observed: 1 variant allele, 1 heterozygote.
Comment: This variant is located in the CACNA1S protein. To our knowledge, functional studies have not been reported for this variant. This variant has not been reported in individuals affected with CACNA1S-related disorders in the literature. This variant has been identified in 7/282888 chromosomes in the general population by the Genome Aggregation Database (gnomAD). The available evidence is insufficient to determine the role of this variant in disease conclusively. Therefore, this variant is classified as a Variant of Uncertain Significance.

This study involves interpretation of variants in research participants for the purpose of population health screening. Participant phenotype was not available at the time of variant classification. Additional details can be found in publication PMID: 35346344, PMCID: PMC8962531

NM_000069.3(CACNA1S):c.1314G>A (p.Val438=)

Gene: CACNA1S (calcium voltage-gated channel subunit alpha1 S; minus strand). Cytogenetic location: 1q32.1.
Variant type: single nucleotide variant.
Coding change: c.1314G>A on transcript NM_000069.3 (MANE Select); coding-DNA position 1314, G replaced by A.
Protein change: p.Val438=; no amino-acid change (valine 438 retained).
Molecular consequence: synonymous variant.
Genome position (GRCh38, 1-based): chr1:201,083,241, C>T on the plus strand (G>A on the coding strand, the complement: CACNA1S is on the minus strand). VCF-style: chr1-201083241-C-T. GRCh37 (hg19) VCF-style: chr1-201052369-C-T.
Identifiers: ClinVar variation 749388 (VCV000749388.13), dbSNP rs146400205, ClinGen allele CA078127.